The following is an entry in ClinVar:

ClinVar aggregate classification (germline): Uncertain significance (1 of 4 stars; one submission).

Conditions:
Episodic ataxia type 1 (EA1). Also called: Episodic ataxia/myokymia syndrome; MYOKYMIA WITH PERIODIC ATAXIA; PAROXYSMAL ATAXIA WITH NEUROMYOTONIA, HEREDITARY; ATAXIA, EPISODIC, WITH MYOKYMIA. Identifiers: Orphanet 37612, Orphanet 972, MedGen C1719788, MONDO:0008047, OMIM 160120.

Submission:

Labcorp Genetics (formerly Invitae), Labcorp
Classification: Uncertain significance for Episodic ataxia type 1. Last evaluated: 2022-10-30. Review status: criteria provided, single submitter. Criteria: Invitae Variant Classification Sherloc (09022015). Collection method: clinical testing. Allele origin: germline.
Comment: In summary, the available evidence is currently insufficient to determine the role of this variant in disease. Therefore, it has been classified as a Variant of Uncertain Significance. Experimental studies and prediction algorithms are not available or were not evaluated, and the functional significance of this variant is currently unknown. ClinVar contains an entry for this variant (Variation ID: 463864). This variant has not been reported in the literature in individuals affected with KCNA1-related conditions. This variant is not present in population databases (gnomAD no frequency). This variant, c.624_626del, results in the deletion of 1 amino acid(s) of the KCNA1 protein (p.Thr209del), but otherwise preserves the integrity of the reading frame.

NM_000217.3(KCNA1):c.621CAC[1] (p.Thr209del)

Gene: KCNA1 (potassium voltage-gated channel subfamily A member 1; plus strand). Cytogenetic location: 12p13.32.
Variant type: Microsatellite.
Coding change: c.621CAC[1] on transcript NM_000217.3 (MANE Select); one copy of the 3-base unit CAC starting at c.621; the reference has two copies in a row; one copy, 3 bases deleted.
Protein change: p.Thr209del; deletes threonine 209.
Molecular consequence: inframe deletion.
Genome position (GRCh38, 1-based): chr12:4,912,002-4,912,004, CAC deleted; deleting any 3 consecutive bases within chr12:4,911,999-4,912,004 gives the same sequence; the position shown is the placement nearest the transcript's 3' end. VCF-style (leftmost placement, unchanged base first): chr12-4911998-ACAC-A. GRCh37 (hg19) VCF-style: chr12-5021164-ACAC-A.
Other names: short protein forms T209del.
Identifiers: ClinVar variation 463864 (VCV000463864.8), dbSNP rs1555085716, ClinGen allele CA658658113.